The following is an entry in ClinVar:

NM_000254.3(MTR):c.340-3T>C

Gene: MTR (5-methyltetrahydrofolate-homocysteine methyltransferase; plus strand). Cytogenetic location: 1q43.
Variant type: single nucleotide variant.
Coding change: c.340-3T>C on transcript NM_000254.3 (MANE Select); 3 bases into the intron before coding-DNA position 340, T replaced by C.
Molecular consequence: intron variant.
Genome position (GRCh38, 1-based): chr1:236,808,701, T>C. VCF-style: chr1-236808701-T-C. GRCh37 (hg19) VCF-style: chr1-236972001-T-C.
Other names: c.340-3T>C (NM_001291939.1); c.-769-3T>C (NM_001291940.2).
Identifiers: ClinVar variation 1016816 (VCV001016816.5), dbSNP rs772591750, ClinGen allele CA1473710.

ClinVar aggregate classification (germline): Uncertain significance (1 of 4 stars; one submission).

Conditions:
Methylcobalamin deficiency type cblG (HMAG). Also called: HOMOCYSTINURIA-MEGALOBLASTIC ANEMIA DUE TO DEFECT IN COBALAMIN METABOLISM, cblG COMPLEMENTATION TYPE; Functional methionine synthase deficiency type cblG; HOMOCYSTINURIA-MEGALOBLASTIC ANEMIA, cblG COMPLEMENTATION TYPE; HOMOCYSTINURIA-MEGALOBLASTIC ANEMIA, cblG TYPE. Identifiers: Orphanet 2170, Orphanet 622, MedGen C1855128, MONDO:0009609, OMIM 250940.

Allele frequency attached by ClinVar (database versions not stated): gnomAD 0.00001; gnomAD exomes 0.00001 and 0.00002; ExAC 0.00002; TOPMed 0.00002.
gnomAD v4.1: 18 of 1,614,042 alleles (0.0011%); highest among the groups gnomAD compares: Non-Finnish European, 0.0015%; no homozygotes.

Submission:

Labcorp Genetics (formerly Invitae), Labcorp
Classification: Uncertain significance for Methylcobalamin deficiency type cblG. Last evaluated: 2025-12-21. Review status: criteria provided, single submitter. Criteria: Invitae Variant Classification Sherloc (09022015). Collection method: clinical testing. Allele origin: germline.
Comment: This sequence change falls in intron 3 of the MTR gene. It does not directly change the encoded amino acid sequence of the MTR protein. It affects a nucleotide within the consensus splice site. This variant is present in population databases (rs772591750, gnomAD 0.005%). This variant has not been reported in the literature in individuals affected with MTR-related conditions. ClinVar contains an entry for this variant (Variation ID: 1016816). Variants that disrupt the consensus splice site are a relatively common cause of aberrant splicing (PMID: 17576681, 9536098). Algorithms developed to predict the effect of sequence changes on RNA splicing suggest that this variant may disrupt the consensus splice site. In summary, the available evidence is currently insufficient to determine the role of this variant in disease. Therefore, it has been classified as a Variant of Uncertain Significance.

Literature cited by the submitters: PubMed 17576681; PubMed 9536098.